The following is an entry in ClinVar:

NM_000047.3(ARSL):c.1239C>A (p.Asp413Glu)

Gene: ARSL (arylsulfatase L; minus strand). Cytogenetic location: Xp22.33.
Variant type: single nucleotide variant.
Coding change: c.1239C>A on transcript NM_000047.3 (MANE Select); coding-DNA position 1239, C replaced by A.
Protein change: p.Asp413Glu; replaces aspartic acid 413 with glutamic acid.
Molecular consequence: missense variant.
Genome position (GRCh38, 1-based): chrX:2,938,145, G>T on the plus strand (C>A on the coding strand, the complement: ARSL is on the minus strand). VCF-style: chrX-2938145-G-T. GRCh37 (hg19) VCF-style: chrX-2856186-G-T.
Other names: c.1314C>A, p.Asp438Glu (NM_001282628.2, NM_001369080.1); c.1077C>A, p.Asp359Glu (NM_001282631.2); c.1266C>A, p.Asp422Glu (NM_001369079.1); short protein forms D413E, D359E, D438E, D422E.
Identifiers: ClinVar variation 643307 (VCV000643307.12), dbSNP rs142382411, ClinGen allele CA412276923.

ClinVar aggregate classification (germline): Uncertain significance. Review status: criteria provided, multiple submitters, no conflicts (2 of 4 stars). 2 submissions from 2 submitters: Uncertain significance (2). Last evaluated 2019-01-23.

Conditions:
X-linked chondrodysplasia punctata 1 (CDPX1). Also called: Chondrodysplasia punctata, X-linked recessive; CHONDRODYSPLASIA PUNCTATA, BRACHYTELEPHALANGIC. Identifiers: Orphanet 79345, MedGen C3669395, MONDO:0010555, OMIM 302950.
Chondrodysplasia punctata, brachytelephalangic, autosomal. Also called: BRACHYTELEPHALANGIC CHONDRODYSPLASIA PUNCTATA. Identifiers: MedGen C1844853, MONDO:0011238, OMIM 602497.

Submissions (2):

Illumina Laboratory Services, Illumina
Classification: Uncertain significance for X-linked chondrodysplasia punctata 1. Last evaluated: 2019-01-23. Review status: criteria provided, single submitter. Criteria: ICSLVariantClassificationCriteria RUGD 01 April 2020. Collection method: clinical testing. Allele origin: unknown.
Comment: The ARSE c.1239C>A (p.Asp413Glu) variant is a missense variant. A literature search was performed for the gene, cDNA, and amino acid change. No publications were found based on this search. This variant is not found in the Genome Aggregation Database in a region of good sequence coverage so the variant is presumed to be rare. The Asp413 residue is highly conserved through evolution. Based on the limited evidence, the p.Asp413Glu variant is classified as a variant of uncertain significance for chondrodysplasia punctata.

Labcorp Genetics (formerly Invitae), Labcorp
Classification: Uncertain significance for Chondrodysplasia punctata, brachytelephalangic, autosomal. Last evaluated: 2018-12-03. Review status: criteria provided, single submitter. Criteria: Invitae Variant Classification Sherloc (09022015). Collection method: clinical testing. Allele origin: germline.
Comment: This sequence change replaces aspartic acid with glutamic acid at codon 413 of the ARSE protein (p.Asp413Glu). The aspartic acid residue is highly conserved and there is a small physicochemical difference between aspartic acid and glutamic acid. This variant is not present in population databases (ExAC no frequency). This variant has not been reported in the literature in individuals with ARSE-related conditions. Algorithms developed to predict the effect of missense changes on protein structure and function are either unavailable or do not agree on the potential impact of this missense change (SIFT: "Deleterious"; PolyPhen-2: "Possibly Damaging"; Align-GVGD: "Class C0"). In summary, the available evidence is currently insufficient to determine the role of this variant in disease. Therefore, it has been classified as a Variant of Uncertain Significance.